The following is an entry in ClinVar:

NM_014989.7(RIMS1):c.1679-16593G>A

Gene: RIMS1 (regulating synaptic membrane exocytosis 1; plus strand). Cytogenetic location: 6q13.
Variant type: single nucleotide variant.
Coding change: c.1679-16593G>A on transcript NM_014989.7 (MANE Select); 16593 bases into the intron before coding-DNA position 1679, G replaced by A.
Molecular consequence: intron variant. On other transcripts: 5 prime UTR variant (6).
Genome position (GRCh38, 1-based): chr6:72,217,180, G>A. VCF-style: chr6-72217180-G-A. GRCh37 (hg19) VCF-style: chr6-72926883-G-A.
Other names: c.-9G>A (NM_001168410.2, NM_001350470.2, NM_001350472.2 and 2 more transcripts); c.-121G>A (NM_001350471.2); c.-58+3958G>A (NM_001350428.2, NM_001350459.2, NM_001350424.2 and 4 more transcripts); c.100+3958G>A (NM_001350458.2, NM_001350433.2, NM_001350446.2 and 37 more transcripts); c.-58+542G>A (NM_001350462.2); c.-144+542G>A (NM_001350469.2, NM_001168409.2, NM_001350466.2 and 6 more transcripts).
Identifiers: ClinVar variation 3053762 (VCV003053762.3), dbSNP rs1327529073, ClinGen allele CA568049397.
Genomic context (GRCh38, chr6:72,217,180, plus strand): 5'-GCCATTGCTAGCTGAAATTTAATGATTTGATGCCAGTGGCATTTAGTTAACCACTCCGAT[G>A]CTGCTGTTATGTTTGCTGGGTTTCTGCAGTTTCTACTACTTCATACATTGCACTCAGGAA-3'

ClinVar aggregate classification (germline): Likely benign. Review status: criteria provided, single submitter (1 of 4 stars). 2 submissions from 2 submitters: Likely benign (1). 1 of the submissions does not count toward it. Last evaluated 2022-11-02.

Conditions:
RIMS1-related disorder. Also called: RIMS1-related condition.

Allele frequency attached by ClinVar (database versions not stated): gnomAD 0.00003; TOPMed 0.00003; gnomAD exomes 0.00004.
gnomAD v4.1: 27 of 1,536,622 alleles (0.0018%); highest among the groups gnomAD compares: Admixed American, 0.053%; no homozygotes.

Submissions (2):

Blueprint Genetics
Classification: Likely benign. Last evaluated: 2022-11-02. Review status: criteria provided, single submitter. Criteria: ACMG Guidelines, 2015. Collection method: clinical testing. Allele origin: germline.

PreventionGenetics, part of Exact Sciences
Classification: Likely benign for RIMS1-related condition. Last evaluated: 2019-09-13. Review status: no assertion criteria provided. Collection method: clinical testing. Allele origin: germline. Not counted in ClinVar's aggregate classification.
Comment: This variant is classified as likely benign based on ACMG/AMP sequence variant interpretation guidelines (Richards et al. 2015 PMID: 25741868, with internal and published modifications).